The following is an entry in ClinVar:

ClinVar aggregate classification (germline): Conflicting classifications of pathogenicity. Review status: criteria provided, conflicting classifications (1 of 4 stars). 6 submissions from 6 submitters: Uncertain significance (5); Benign (1). Last evaluated 2025-08-20.

Conditions:
Hereditary breast ovarian cancer syndrome. Also called: Hereditary breast and ovarian cancer syndrome; Breast and ovarian cancer; BRCA1- and BRCA2-Associated Hereditary Breast and Ovarian Cancer; Hereditary breast and ovarian cancer syndrome (HBOC); Hereditary breast and ovarian cancer; Hereditary breast and/or ovarian cancer syndrome. Identifiers: Orphanet 145, MedGen C0677776, MeSH D061325, MONDO:0003582. Disease mechanism: loss of function.
Breast-ovarian cancer, familial, susceptibility to, 2 (BROVCA2). Also called: BRCA2 Hereditary Breast and Ovarian Cancer. Identifiers: Orphanet 145, MedGen C2675520, MONDO:0012933, OMIM 612555. Disease mechanism: loss of function.
BRCA2-related cancer predisposition. Identifiers: MedGen CN377758, MONDO:0700269.
Hereditary cancer-predisposing syndrome. Also called: Neoplastic Syndromes, Hereditary; Hereditary Cancer Syndrome; Tumor predisposition; Hereditary neoplastic syndrome. Identifiers: Orphanet 140162, MedGen C0027672, MeSH D009386, MONDO:0015356.

gnomAD v4.1: 2 of 1,614,208 alleles (0.00012%); highest among the groups gnomAD compares: Non-Finnish European, 0.00017%; no homozygotes.

Submissions (6):

Quest Diagnostics Nichols Institute San Juan Capistrano
Classification: Uncertain significance. Last evaluated: 2025-08-20. Review status: criteria provided, single submitter. Criteria: Quest Diagnostics criteria. Collection method: clinical testing. Allele origin: unknown.
Comment: The BRCA2 c.8098A>G (p.Ile2700Val) variant has been reported in the published literature in an individual with breast cancer (PMID: 35957908 (2022)). This variant has also been reported to have a neutral effect on cell growth and response to DNA damaging exposure (PMID: 39779848 (2025)). The frequency of this variant in the general population (Genome Aggregation Database) is uninformative in the assessment of its pathogenicity. Analysis of this variant using bioinformatics tools for the prediction of the effect of amino acid changes on protein structure and function yielded predictions that this variant is benign. Based on the available information, we are unable to determine the clinical significance of this variant.

Dasa
Classification: Uncertain significance for Breast-ovarian cancer, familial, susceptibility to, 2. Last evaluated: 2025-05-17. Review status: criteria provided, single submitter. Criteria: DASA Assertion Criteria. Collection method: clinical testing. Allele origin: germline.
Comment: NM_000059.4(BRCA2):c.8098A>G (p.Ile2700Val) is a missense variant that results in the substitution of isoleucine with valine. This variant is rare in population databases. Computational prediction algorithms are consistent with a benign effect. The currently available literature and clinical evidence are not sufficient to establish a definitive association between this variant and the reported condition. Therefore, this variant is classified as a variant of uncertain significance.

Ambry Genetics
Classification: Benign for Hereditary cancer-predisposing syndrome. Last evaluated: 2025-05-09. Review status: criteria provided, single submitter. Criteria: Ambry Variant Classification Scheme 2023. Collection method: clinical testing. Allele origin: germline.

All of Us Research Program, National Institutes of Health
Classification: Uncertain significance for BRCA2-related cancer predisposition. Last evaluated: 2024-05-14. Review status: criteria provided, single submitter. Criteria: ACMG Guidelines, 2015. Collection method: clinical testing. Allele origin: germline. Inheritance: Autosomal dominant inheritance. Observed: 1 variant allele, 1 heterozygote.
Comment: This missense variant replaces isoleucine with valine at codon 2700 of the BRCA2 protein. Computational prediction suggests that this variant may not impact protein structure and function. To our knowledge, functional studies have not been reported for this variant. This variant has not been reported in individuals affected with BRCA2-related disorders in the literature. This variant has been identified in 1/251356 chromosomes in the general population by the Genome Aggregation Database (gnomAD). The available evidence is insufficient to determine the role of this variant in disease conclusively. Therefore, this variant is classified as a Variant of Uncertain Significance.

This study involves interpretation of variants in research participants for the purpose of population health screening. Participant phenotype was not available at the time of variant classification. Additional details can be found in publication PMID: 35346344, PMCID: PMC8962531

Color Diagnostics, LLC DBA Color Health
Classification: Uncertain significance for Hereditary cancer-predisposing syndrome. Last evaluated: 2024-05-02. Review status: criteria provided, single submitter. Criteria: ACMG Guidelines, 2015. Collection method: clinical testing. Allele origin: germline.
Comment: This missense variant replaces isoleucine with valine at codon 2700 of the BRCA2 protein. Computational prediction suggests that this variant may not impact protein structure and function. To our knowledge, functional studies have not been reported for this variant. This variant has not been reported in individuals affected with BRCA2-related disorders in the literature. This variant has been identified in 1/251356 chromosomes in the general population by the Genome Aggregation Database (gnomAD). The available evidence is insufficient to determine the role of this variant in disease conclusively. Therefore, this variant is classified as a Variant of Uncertain Significance.

Labcorp Genetics (formerly Invitae), Labcorp
Classification: Uncertain significance for Hereditary breast ovarian cancer syndrome. Last evaluated: 2024-03-01. Review status: criteria provided, single submitter. Criteria: Invitae Variant Classification Sherloc (09022015). Collection method: clinical testing. Allele origin: germline.
Comment: This sequence change replaces isoleucine, which is neutral and non-polar, with valine, which is neutral and non-polar, at codon 2700 of the BRCA2 protein (p.Ile2700Val). This variant is present in population databases (rs80359053, gnomAD 0.0009%). This variant has not been reported in the literature in individuals affected with BRCA2-related conditions. ClinVar contains an entry for this variant (Variation ID: 531252). Advanced modeling of protein sequence and biophysical properties (such as structural, functional, and spatial information, amino acid conservation, physicochemical variation, residue mobility, and thermodynamic stability) performed at Invitae indicates that this missense variant is not expected to disrupt BRCA2 protein function with a negative predictive value of 95%. In summary, the available evidence is currently insufficient to determine the role of this variant in disease. Therefore, it has been classified as a Variant of Uncertain Significance.

Literature cited by the submitters: PubMed 35957908 (cited by Quest Diagnostics Nichols Institute San Juan Capistrano); PubMed 39779848 (cited by Quest Diagnostics Nichols Institute San Juan Capistrano).

NM_000059.4(BRCA2):c.8098A>G (p.Ile2700Val)

Gene: BRCA2 (BRCA2 DNA repair associated; plus strand). Cytogenetic location: 13q13.1.
Variant type: single nucleotide variant.
Coding change: c.8098A>G on transcript NM_000059.4 (MANE Select); coding-DNA position 8098, A replaced by G.
Protein change: p.Ile2700Val; replaces isoleucine 2700 with valine.
Molecular consequence: missense variant.
Genome position (GRCh38, 1-based): chr13:32,363,300, A>G. VCF-style: chr13-32363300-A-G. GRCh37 (hg19) VCF-style: chr13-32937437-A-G.
Other names: short protein forms I2700V.
Identifiers: ClinVar variation 531252 (VCV000531252.18), dbSNP rs80359053, ClinGen allele CA6941187.